The following is an entry in ClinVar:

NM_005592.4(MUSK):c.312T>C (p.Gly104=)

Gene: MUSK (muscle associated receptor tyrosine kinase; plus strand). Cytogenetic location: 9q31.3.
Variant type: single nucleotide variant.
Coding change: c.312T>C on transcript NM_005592.4 (MANE Select); coding-DNA position 312, T replaced by C.
Protein change: p.Gly104=; no amino-acid change (glycine 104 retained).
Molecular consequence: synonymous variant.
Genome position (GRCh38, 1-based): chr9:110,687,222, T>C. VCF-style: chr9-110687222-T-C. GRCh37 (hg19) VCF-style: chr9-113449502-T-C.
Other names: c.312T>C, p.Gly104= (NM_001166280.2, NM_001166281.2).
Identifiers: ClinVar variation 364601 (VCV000364601.18), dbSNP rs56181115, ClinGen allele CA5183982.

ClinVar aggregate classification (germline): Benign/Likely benign. Review status: criteria provided, multiple submitters, no conflicts (2 of 4 stars). 3 submissions from 3 submitters: Benign (1); Likely benign (1). 1 of the submissions does not count toward it. Last evaluated 2026-01-19.

Conditions:
Congenital myasthenic syndrome 9. Also called: Myasthenic syndrome, congenital, 9, associated with acetylcholine receptor deficiency. Identifiers: Orphanet 590, MedGen C4225368, MONDO:0014587, OMIM 616325.
Fetal akinesia deformation sequence 1 (FADS1). Also called: Pena-Shokeir syndrome type I; Fetal akinesia sequence. Identifiers: Orphanet 994, MedGen C1276035, MONDO:0100101, OMIM 208150, HP:0001989.
MUSK-related disorder. Also called: MUSK-related condition; MUSK-related disorders.

Allele frequency attached by ClinVar (database versions not stated): gnomAD 0.00009 and 0.00027; TOPMed 0.00013; gnomAD exomes 0.00038 and 0.00071; ExAC 0.00092; 1000 Genomes Project 30x 0.00094; 1000 Genomes Project 0.00120.
gnomAD v4.1: 605 of 1,613,822 alleles (0.037%); highest among the groups gnomAD compares: South Asian, 0.46%; 7 homozygotes.

Submissions (3):

Labcorp Genetics (formerly Invitae), Labcorp
Classification: Benign for Congenital myasthenic syndrome 9; Fetal akinesia deformation sequence 1. Last evaluated: 2026-01-19. Review status: criteria provided, single submitter. Criteria: Invitae Variant Classification Sherloc (09022015). Collection method: clinical testing. Allele origin: germline.

Blueprint Genetics
Classification: Likely benign. Last evaluated: 2024-11-04. Review status: criteria provided, single submitter. Criteria: ACMG Guidelines, 2015. Collection method: clinical testing. Allele origin: germline.

PreventionGenetics, part of Exact Sciences
Classification: Likely benign for MUSK-related condition. Last evaluated: 2019-08-06. Review status: no assertion criteria provided. Collection method: clinical testing. Allele origin: germline. Not counted in ClinVar's aggregate classification.
Comment: This variant is classified as likely benign based on ACMG/AMP sequence variant interpretation guidelines (Richards et al. 2015 PMID: 25741868, with internal and published modifications).